The following is an entry in ClinVar:

NM_000551.4(VHL):c.214T>C (p.Ser72Pro)

Gene: VHL (von Hippel-Lindau tumor suppressor; plus strand). Cytogenetic location: 3p25.3.
Variant type: single nucleotide variant.
Coding change: c.214T>C on transcript NM_000551.4 (MANE Select); coding-DNA position 214, T replaced by C.
Protein change: p.Ser72Pro; replaces serine 72 with proline.
Molecular consequence: missense variant.
Genome position (GRCh38, 1-based): chr3:10,142,061, T>C. VCF-style: chr3-10142061-T-C. GRCh37 (hg19) VCF-style: chr3-10183745-T-C.
Other names: c.214T>C, p.Ser72Pro (NM_001354723.2, NM_198156.3); short protein forms S72P.
Identifiers: ClinVar variation 223163 (VCV000223163.15), dbSNP rs869025618, ClinGen allele CA357006.

ClinVar aggregate classification (germline): Pathogenic/Likely pathogenic. Review status: criteria provided, multiple submitters, no conflicts (2 of 4 stars). 4 submissions from 4 submitters: Pathogenic (1); Likely pathogenic (2). 1 of the submissions does not count toward it. Last evaluated 2020-12-01.

Conditions:
Von Hippel-Lindau syndrome (VHLS). Also called: Von Hippel-Lindau; von Hippel–Lindau syndrome; VHL syndrome. Identifiers: Orphanet 892, MedGen C0019562, MONDO:0008667, OMIM 193300. Disease mechanism: loss of function.
Chuvash polycythemia. Also called: POLYCYTHEMIA, VHL-DEPENDENT. Identifiers: Orphanet 238557, MedGen C1837915, MONDO:0009892, OMIM 263400.
Hereditary cancer-predisposing syndrome. Also called: Tumor predisposition; Hereditary neoplastic syndrome; Neoplastic Syndromes, Hereditary; Hereditary Cancer Syndrome. Identifiers: Orphanet 140162, MedGen C0027672, MeSH D009386, MONDO:0015356.

Submissions (4):

Labcorp Genetics (formerly Invitae), Labcorp
Classification: Pathogenic for Von Hippel-Lindau syndrome; Chuvash polycythemia. Last evaluated: 2020-12-01. Review status: criteria provided, single submitter. Criteria: Invitae Variant Classification Sherloc (09022015). Collection method: clinical testing. Allele origin: germline.
Comment: This variant is not present in population databases (ExAC no frequency). This sequence change replaces serine with proline at codon 72 of the VHL protein (p.Ser72Pro). The serine residue is moderately conserved and there is a moderate physicochemical difference between serine and proline. Experimental studies have shown that this variant affects VHL protein function (PMID: 21715564). For these reasons, this variant has been classified as Pathogenic. Advanced modeling of protein sequence and biophysical properties (such as structural, functional, and spatial information, amino acid conservation, physicochemical variation, residue mobility, and thermodynamic stability) performed at Invitae indicates that this missense variant is expected to disrupt VHL protein function. This variant has been observed in individual(s) with von Hippel Lindau syndrome (PMID: 17024664, 25952756, Invitae). ClinVar contains an entry for this variant (Variation ID: 223163).

Ambry Genetics
Classification: Likely pathogenic for Hereditary cancer-predisposing syndrome. Last evaluated: 2016-04-13. Review status: criteria provided, single submitter. Criteria: Ambry Variant Classification Scheme 2023. Collection method: clinical testing. Allele origin: germline.
Comment: The p.S72P variant (also known as c.214T>C), located in coding exon 1 of the VHL gene, results from a T to C substitution at nucleotide position 214. The serine at codon 72 is replaced by proline, an amino acid with similar properties. This variant was reported in two suspected VHL families with clinical features including retinal angioma and cerebellar hemangioblastoma (Ong KR et al. Hum. Mutat. 2007 Feb; 28(2):143-9). In one functional study, this alteration's interactions with hypoxia inducible factors (HIF), which affect protein stability, were similar to that of a known VHL mutant (Rechsteiner MP et al. Cancer Res. 2011 Aug; 71(16):5500-11). This variant was not reported in population based cohorts in the following databases: Database of Single Nucleotide Polymorphisms (dbSNP), NHLBI Exome Sequencing Project (ESP), and 1000 Genomes Project. In the ESP, this variant was not observed in 6375 samples (12750 alleles) with coverage at this position. To date, this alteration has been detected with an allele frequency of approximately 0.02% (greater than 12000 alleles tested) in our clinical cohort. This amino acid position is well conserved in available vertebrate species. In addition, this alteration is predicted to be deleterious by in silico analysis. Based on the majority of available evidence to date, this variant is likely to be pathogenic.

Juno Genomics, Hangzhou Juno Genomics, Inc
Classification: Likely pathogenic for Von Hippel-Lindau syndrome. Review status: criteria provided, single submitter. Criteria: ACMG Guidelines, 2015. Collection method: clinical testing. Allele origin: germline. Affected: yes.
Comment: Absent from controls (or at extremely low frequency if recessive) in Genome Aggregation Database, Exome Sequencing Project, 1000 Genomes Project, or Exome Aggregation Consortium.;Well-established in vitro or in vivo functional studies supportive of a damaging effect on the gene or gene product.;The prevalence of the variant in affected individuals is significantly increased compared to the prevalence in controls.

Genomic Diagnostic Laboratory, Division of Genomic Diagnostics, Children's Hospital of Philadelphia
Classification: Likely pathogenic for Von Hippel-Lindau syndrome. Last evaluated: 2016-02-26. Review status: no assertion criteria provided. Collection method: clinical testing. Allele origin: germline. Observed: 2 variant alleles. Not counted in ClinVar's aggregate classification.

Literature cited by the submitters: PubMed 21715564 (cited by Labcorp Genetics (formerly Invitae), Labcorp and Ambry Genetics); PubMed 17024664 (cited by Labcorp Genetics (formerly Invitae), Labcorp and Ambry Genetics); PubMed 25952756 (cited by Labcorp Genetics (formerly Invitae), Labcorp and Ambry Genetics); PubMed 16847331 (cited by Ambry Genetics); PubMed 24969085 (cited by Ambry Genetics).